The following is an entry in ClinVar:

ClinVar aggregate classification (germline): Likely benign (1 of 4 stars; one submission).

Conditions:
MELAS syndrome (MELAS). Also called: Juvenile myopathy, encephalopathy, lactic acidosis, stroke. Identifiers: Orphanet 550, MedGen C0162671, MONDO:0010789, OMIM 540000.

Submission:

Wong Mito Lab, Molecular and Human Genetics, Baylor College of Medicine
Classification: Likely benign for MELAS syndrome. Last evaluated: 2019-07-12. Review status: criteria provided, single submitter. Criteria: Modified ACMG Guidelines (Unpublished). Collection method: clinical testing. Allele origin: germline.
Comment: The NC_012920.1:m.597_598insT variant in MT-TF gene is interpreted to be a Likely Benign variant based on the modified ACMG guidelines (unpublished). This variant meets the following evidence codes reported in the guidelines: BS4, BP6

Literature cited by the submitters: PubMed 31965079.

NC_012920.1(MT-TF):m.597_598insT

Gene: MT-TF (mitochondrially encoded tRNA phenylalanine; plus strand).
Variant type: Insertion.
Genome position: chrM-597-C-CT.
Identifiers: ClinVar variation 689815 (VCV000689815.1), dbSNP rs1603218455, ClinGen allele CA915952076.